The following is an entry in ClinVar:

ClinVar aggregate classification (germline): Benign/Likely benign. Review status: criteria provided, multiple submitters, no conflicts (2 of 4 stars). 3 submissions from 3 submitters: Benign (1); Likely benign (2). Last evaluated 2026-01-28.

Conditions:
Congenital contractural arachnodactyly (CCA). Also called: BEALS SYNDROME; Beals-Hecht syndrome; Arthrogryposis, distal, type 9. Identifiers: Orphanet 115, MedGen C0220668, MONDO:0007363, OMIM 121050.

Allele frequency attached by ClinVar (database versions not stated): TOPMed 0.00008; 1000 Genomes Project 30x 0.00031; 1000 Genomes Project 0.00040.
gnomAD v4.1: 359 of 1,606,642 alleles (0.022%); highest among the groups gnomAD compares: South Asian, 0.28%; 5 homozygotes.

Submissions (3):

Labcorp Genetics (formerly Invitae), Labcorp
Classification: Benign for Congenital contractural arachnodactyly. Last evaluated: 2026-01-28. Review status: criteria provided, single submitter. Criteria: Invitae Variant Classification Sherloc (09022015). Collection method: clinical testing. Allele origin: germline.

Blueprint Genetics
Classification: Likely benign. Last evaluated: 2024-11-18. Review status: criteria provided, single submitter. Criteria: ACMG Guidelines, 2015. Collection method: clinical testing. Allele origin: germline.

GeneDx
Classification: Likely benign. Last evaluated: 2018-01-18. Review status: criteria provided, single submitter. Criteria: GeneDx Variant Classification (06012015). Collection method: clinical testing. Allele origin: germline. Affected: yes.
Comment: This variant is considered likely benign or benign based on one or more of the following criteria: it is a conservative change, it occurs at a poorly conserved position in the protein, it is predicted to be benign by multiple in silico algorithms, and/or has population frequency not consistent with disease.

NM_001999.4(FBN2):c.3217+12C>A

Genes: FBN2 (fibrillin 2; minus strand), LOC126807501 (BRD4-independent group 4 enhancer GRCh37_chr5:127680731-127681930; plus strand). Cytogenetic location: 5q23.3.
Variant type: single nucleotide variant.
Coding change: c.3217+12C>A on transcript NM_001999.4 (MANE Select); 12 bases into the intron after coding-DNA position 3217, C replaced by A.
Molecular consequence: intron variant.
Genome position (GRCh38, 1-based): chr5:128,345,345, G>T on the plus strand (C>A on the coding strand, the complement: FBN2 is on the minus strand). VCF-style: chr5-128345345-G-T. GRCh37 (hg19) VCF-style: chr5-127681037-G-T.
Identifiers: ClinVar variation 389155 (VCV000389155.10), dbSNP rs375688726, ClinGen allele CA3395307.
Genomic context (GRCh38, chr5:128,345,345, plus strand): 5'-ACCAATTCTCAGAGAATGTGGAAGGCTTCCTGTTGGTGAAGAAGGACCAAGGCGCTGGCC[G>T]CAGGCAGTTACCTTTGTAAAATGGCCGCCCAGTAAGAACATCCCCTCGGTTAGCAAAGCC-3'